The following is an entry in ClinVar:

NM_194293.4(XIRP1):c.1955C>A (p.Pro652Gln)

Gene: XIRP1 (xin actin binding repeat containing 1; minus strand). Cytogenetic location: 3p22.2.
Variant type: single nucleotide variant.
Coding change: c.1955C>A on transcript NM_194293.4 (MANE Select); coding-DNA position 1955, C replaced by A.
Protein change: p.Pro652Gln; replaces proline 652 with glutamine.
Molecular consequence: missense variant. On other transcripts: intron variant (1).
Genome position (GRCh38, 1-based): chr3:39,187,491, G>T on the plus strand (C>A on the coding strand, the complement: XIRP1 is on the minus strand). VCF-style: chr3-39187491-G-T. GRCh37 (hg19) VCF-style: chr3-39228982-G-T.
Other names: c.1955C>A, p.Pro652Gln (NM_001198621.4); c.-167-1830C>A (NM_001351377.2); short protein forms P652Q.
Identifiers: ClinVar variation 92036 (VCV000092036.2), dbSNP rs386352380, ClinGen allele CA024892.

ClinVar aggregate classification (germline): Uncertain significance (0 of 4 stars; one submission).

Submission:

Richard Lifton Laboratory, Yale University School of Medicine
Classification: Uncertain significance. Review status: no assertion criteria provided. Collection method: not provided. Allele origin: somatic.
Comment: XIRP1
ClinVar note: Converted during submission from unknown to Uncertain significance.